The following is an entry in ClinVar:

NM_001148.6(ANK2):c.3762T>G (p.Asp1254Glu)

Gene: ANK2 (ankyrin 2; plus strand). Cytogenetic location: 4q26.
Variant type: single nucleotide variant.
Coding change: c.3762T>G on transcript NM_001148.6 (MANE Select); coding-DNA position 3762, T replaced by G.
Protein change: p.Asp1254Glu; replaces aspartic acid 1254 with glutamic acid.
Molecular consequence: missense variant.
Genome position (GRCh38, 1-based): chr4:113,336,747, T>G. VCF-style: chr4-113336747-T-G. GRCh37 (hg19) VCF-style: chr4-114257903-T-G.
Other names: c.3735T>G, p.Asp1245Glu (NM_001127493.3); c.3774T>G, p.Asp1258Glu (NM_001354225.2); c.3663T>G, p.Asp1221Glu (NM_001354228.2, NM_001354258.2); c.3741T>G, p.Asp1247Glu (NM_001354230.2); c.3804T>G, p.Asp1268Glu (NM_001354231.2, NM_001354242.2); c.3798T>G, p.Asp1266Glu (NM_001354232.2); c.3759T>G, p.Asp1253Glu (NM_001354235.2, NM_001354246.2, NM_001354265.2); c.3660T>G, p.Asp1220Glu (NM_001354236.2); and 31 more; short protein forms D1093E, D1126E, D1154E, D1159E, D1167E, D1179E, D1183E, D1187E.
Identifiers: ClinVar variation 2430491 (VCV002430491.1), dbSNP rs2503207846, ClinGen allele CA357938846.

ClinVar aggregate classification (germline): Uncertain significance (1 of 4 stars; one submission).

Submission:

GeneDx
Classification: Uncertain significance. Last evaluated: 2022-08-16. Review status: criteria provided, single submitter. Criteria: GeneDx Variant Classification Process June 2021. Collection method: clinical testing. Allele origin: germline. Affected: yes.
Comment: Not observed at significant frequency in large population cohorts (gnomAD); In silico analysis supports that this missense variant does not alter protein structure/function; Has not been previously published as pathogenic or benign to our knowledge